The following is an entry in ClinVar:

ClinVar aggregate classification (germline): Uncertain significance (1 of 4 stars; one submission).

Submission:

GeneDx
Classification: Uncertain significance. Last evaluated: 2024-07-25. Review status: criteria provided, single submitter. Criteria: GeneDx Variant Classification Process June 2021. Collection method: clinical testing. Allele origin: germline. Affected: yes.
Comment: Not observed at significant frequency in large population cohorts (gnomAD); In silico analysis indicates that this missense variant does not alter protein structure/function; Has not been previously published as pathogenic or benign to our knowledge

NM_014927.5(CNKSR2):c.2711A>G (p.Lys904Arg)

Gene: CNKSR2 (connector enhancer of kinase suppressor of Ras 2; plus strand). Cytogenetic location: Xp22.12.
Variant type: single nucleotide variant.
Coding change: c.2711A>G on transcript NM_014927.5 (MANE Select); coding-DNA position 2711, A replaced by G.
Protein change: p.Lys904Arg; replaces lysine 904 with arginine.
Molecular consequence: missense variant.
Genome position (GRCh38, 1-based): chrX:21,648,849, A>G. VCF-style: chrX-21648849-A-G. GRCh37 (hg19) VCF-style: chrX-21666967-A-G.
Other names: c.2621A>G, p.Lys874Arg (NM_001168647.3); c.2564A>G, p.Lys855Arg (NM_001330770.2); c.2474A>G, p.Lys825Arg (NM_001330772.2); short protein forms K825R, K855R, K874R, K904R.
Identifiers: ClinVar variation 3600573 (VCV003600573.1).